The following is an entry in ClinVar:

NM_000368.5(TSC1):c.1301dup (p.Gln435fs)

Gene: TSC1 (TSC complex subunit 1; minus strand). Cytogenetic location: 9q34.13.
Variant type: Duplication.
Coding change: c.1301dup on transcript NM_000368.5 (MANE Select); coding-DNA position 1301, one base duplicated (G; older notation c.1301dupG).
Protein change: p.Gln435fs; shifts the reading frame from glutamine 435.
Molecular consequence: frameshift variant.
Genome position (GRCh38, 1-based): chr9:132,907,333, C duplicated on the plus strand (G on the coding strand, the reverse complement: TSC1 is on the minus strand). VCF-style (leftmost placement, unchanged base first): chr9-132907332-T-TC. GRCh37 (hg19) VCF-style: chr9-135782719-T-TC.
Other names: c.1301dupG (NM_000368.4); c.1298dup, p.Gln434fs (NM_001162426.2); c.1148dup, p.Gln384fs (NM_001162427.2); c.938dup, p.Gln314fs (NM_001362177.2); short protein forms Q384fs, Q314fs, Q434fs, Q435fs.
Identifiers: ClinVar variation 534420 (VCV000534420.6), dbSNP rs1554816394, ClinGen allele CA658797324.

ClinVar aggregate classification (germline): Pathogenic (1 of 4 stars; one submission).

Conditions:
Tuberous sclerosis 1 (TSC1). Identifiers: Orphanet 805, MedGen C1854465, MONDO:0008612, OMIM 191100.

Submission:

Labcorp Genetics (formerly Invitae), Labcorp
Classification: Pathogenic for Tuberous sclerosis 1. Last evaluated: 2017-10-31. Review status: criteria provided, single submitter. Criteria: Invitae Variant Classification Sherloc (09022015). Collection method: clinical testing. Allele origin: germline.
Comment: For these reasons, this variant has been classified as Pathogenic. Loss-of-function variants in TSC1 are known to be pathogenic (PMID: 10227394, 17304050). This variant has not been reported in the literature in individuals with TSC1-related disease. This variant is not present in population databases (ExAC no frequency). This sequence change creates a premature translational stop signal (p.Gln435Thrfs*7) in the TSC1 gene. It is expected to result in an absent or disrupted protein product.

Literature cited by the submitters: PubMed 10227394; PubMed 17304050.